The following is an entry in ClinVar:

NM_020433.5(JPH2):c.1636G>A (p.Glu546Lys)

Gene: JPH2 (junctophilin 2; minus strand). Cytogenetic location: 20q13.12.
Variant type: single nucleotide variant.
Coding change: c.1636G>A on transcript NM_020433.5 (MANE Select); coding-DNA position 1636, G replaced by A.
Protein change: p.Glu546Lys; replaces glutamic acid 546 with lysine.
Molecular consequence: missense variant.
Genome position (GRCh38, 1-based): chr20:44,116,039, C>T on the plus strand (G>A on the coding strand, the complement: JPH2 is on the minus strand). VCF-style: chr20-44116039-C-T. GRCh37 (hg19) VCF-style: chr20-42744679-C-T.
Other names: short protein forms E546K.
Identifiers: ClinVar variation 4537891 (VCV004537891.2).

ClinVar aggregate classification (germline): Uncertain significance. Review status: criteria provided, multiple submitters, no conflicts (2 of 4 stars). 2 submissions from 2 submitters: Uncertain significance (2). Last evaluated 2025-10-15.

Conditions:
Cardiovascular phenotype. Identifiers: MedGen CN230736.

gnomAD v4.1: 2 of 1,573,634 alleles (0.00013%); highest among the groups gnomAD compares: East Asian, 0.0023%; no homozygotes.

Submissions (2):

Ambry Genetics
Classification: Uncertain significance for Cardiovascular phenotype. Last evaluated: 2025-10-15. Review status: criteria provided, single submitter. Criteria: Ambry Variant Classification Scheme 2023. Collection method: clinical testing. Allele origin: germline.

GeneDx
Classification: Uncertain significance. Last evaluated: 2025-06-09. Review status: criteria provided, single submitter. Criteria: GeneDx Variant Classification Process June 2021. Collection method: clinical testing. Allele origin: germline. Affected: yes.
Comment: Not observed at significant frequency in large population cohorts (gnomAD); In silico analysis suggests that this missense variant does not alter protein structure/function; Has not been previously published as pathogenic or benign to our knowledge